The following is an entry in ClinVar:

ClinVar aggregate classification (germline): Conflicting classifications of pathogenicity. Review status: criteria provided, conflicting classifications (1 of 4 stars). 5 submissions from 5 submitters: Uncertain significance (1); Benign (1); Likely benign (2). 1 of the submissions does not count toward it. Last evaluated 2026-03-01.

Conditions:
CISD2-related disorder. Also called: CISD2-related condition.

Allele frequency attached by ClinVar (database versions not stated): gnomAD 0.00088 and 0.00094; 1000 Genomes Project 0.00100; ESP Exome Variant Server 0.00108; TOPMed 0.00108; 1000 Genomes Project 30x 0.00109; gnomAD exomes 0.00010 and 0.00018; ExAC 0.00030.
gnomAD v4.1: 278 of 1,611,418 alleles (0.017%); highest among the groups gnomAD compares: African/African-American, 0.34%; 1 homozygote.

Submissions (5):

CeGaT Center for Human Genetics Tuebingen
Classification: Likely benign. Last evaluated: 2026-03-01. Review status: criteria provided, single submitter. Criteria: CeGaT Center For Human Genetics Tuebingen Variant Classification Criteria Version 2. Collection method: clinical testing. Allele origin: germline. Affected: yes. Observed: 1 variant allele.
Comment: CISD2: BP4, BP7

Labcorp Genetics (formerly Invitae), Labcorp
Classification: Benign. Last evaluated: 2026-01-27. Review status: criteria provided, single submitter. Criteria: Invitae Variant Classification Sherloc (09022015). Collection method: clinical testing. Allele origin: germline.

Blueprint Genetics
Classification: Likely benign. Last evaluated: 2024-03-07. Review status: criteria provided, single submitter. Criteria: ACMG Guidelines, 2015. Collection method: clinical testing. Allele origin: germline.

Eurofins Ntd Llc (ga)
Classification: Uncertain significance. Last evaluated: 2016-06-23. Review status: criteria provided, single submitter. Criteria: EGL Classification Definitions 2015. Collection method: clinical testing. Allele origin: germline. Observed: 2 variant alleles, 2 heterozygotes.

PreventionGenetics, part of Exact Sciences
Classification: Likely benign for CISD2-related condition. Last evaluated: 2019-11-26. Review status: no assertion criteria provided. Collection method: clinical testing. Allele origin: germline. Not counted in ClinVar's aggregate classification.
Comment: This variant is classified as likely benign based on ACMG/AMP sequence variant interpretation guidelines (Richards et al. 2015 PMID: 25741868, with internal and published modifications).

NM_001008388.5(CISD2):c.12G>A (p.Glu4=)

Genes: CISD2 (CDGSH iron sulfur domain 2; plus strand), LOC129992891 (ATAC-STARR-seq lymphoblastoid silent region 15602; plus strand). Cytogenetic location: 4q24.
Variant type: single nucleotide variant.
Coding change: c.12G>A on transcript NM_001008388.5 (MANE Select); coding-DNA position 12, G replaced by A.
Protein change: p.Glu4=; no amino-acid change (glutamic acid 4 retained).
Molecular consequence: synonymous variant.
Genome position (GRCh38, 1-based): chr4:102,869,096, G>A. VCF-style: chr4-102869096-G-A. GRCh37 (hg19) VCF-style: chr4-103790253-G-A.
Other names: c.12G>A (NM_001008388.4).
Identifiers: ClinVar variation 288522 (VCV000288522.20), dbSNP rs145312923, ClinGen allele CA3027633.
Genomic context (GRCh38, chr4:102,869,096, plus strand): 5'-TGGCCAGAGCGGAGGGGGCTCGGGAGAGGAGTGGACGCCGCTGGCCAGGATGGTGCTGGA[G>A]AGCGTGGCCCGTATCGTGAAGGTGCAGCTCCCTGCATATCTGAAGCGGCTCCCAGTCCCT-3'
Protein context (NP_001008389.1, residues 1-14): MVL[Glu4=]SVARIVKVQL